The following is an entry in ClinVar:

ClinVar aggregate classification (germline): Likely benign (1 of 4 stars; one submission).

Allele frequency attached by ClinVar (database versions not stated): ESP Exome Variant Server 0.00019; gnomAD 0.00024; ExAC 0.00038.
gnomAD v4.1: 248 of 1,209,986 alleles (0.02%); highest among the groups gnomAD compares: Non-Finnish European, 0.016%; 1 homozygote.

Submission:

CeGaT Center for Human Genetics Tuebingen
Classification: Likely benign. Last evaluated: 2023-03-01. Review status: criteria provided, single submitter. Criteria: CeGaT Center For Human Genetics Tuebingen Variant Classification Criteria Version 2. Collection method: clinical testing. Allele origin: germline. Affected: yes. Observed: 2 variant alleles.
Comment: SEPTIN6: BS2

NM_145799.4(SEPTIN6):c.824G>A (p.Arg275Gln)

Gene: SEPTIN6 (septin 6; minus strand). Cytogenetic location: Xq24.
Variant type: single nucleotide variant.
Coding change: c.824G>A on transcript NM_145799.4 (MANE Select); coding-DNA position 824, G replaced by A.
Protein change: p.Arg275Gln; replaces arginine 275 with glutamine.
Molecular consequence: missense variant.
Genome position (GRCh38, 1-based): chrX:119,637,159, C>T on the plus strand (G>A on the coding strand, the complement: SEPTIN6 is on the minus strand). VCF-style: chrX-119637159-C-T. GRCh37 (hg19) VCF-style: chrX-118771122-C-T.
Other names: c.824G>A, p.Arg275Gln (NM_001410710.1, NM_015129.6, NM_145800.4 and 1 more transcripts); short protein forms R275Q.
Identifiers: ClinVar variation 2661299 (VCV002661299.24), dbSNP rs149227275, ClinGen allele CA10502722.